The following is an entry in ClinVar:

NM_001750.7(CAST):c.1134G>A (p.Ser378=)

Gene: CAST (calpastatin; plus strand). Cytogenetic location: 5q15.
Variant type: single nucleotide variant.
Coding change: c.1134G>A on transcript NM_001750.7 (MANE Select); coding-DNA position 1134, G replaced by A.
Protein change: p.Ser378=; no amino-acid change (serine 378 retained).
Molecular consequence: synonymous variant.
Genome position (GRCh38, 1-based): chr5:96,742,690, G>A. VCF-style: chr5-96742690-G-A. GRCh37 (hg19) VCF-style: chr5-96078394-G-A.
Other names: c.1038G>A, p.Ser346= (NM_001330626.2); c.1011G>A, p.Ser337= (NM_001330627.2, NM_001042440.5); c.966G>A, p.Ser322= (NM_001330628.2); c.1050G>A, p.Ser350= (NM_001330629.2); c.723G>A, p.Ser241= (NM_001330630.2, NM_001423260.1, NM_001042446.3); c.846G>A, p.Ser282= (NM_001330631.2, NM_001423251.1, NM_001423252.1 and 1 more transcripts); c.819G>A, p.Ser273= (NM_001330632.2, NM_001423253.1, NM_001423254.1 and 1 more transcripts); c.828G>A, p.Ser276= (NM_001330633.2); and 8 more.
Identifiers: ClinVar variation 3053083 (VCV003053083.4), dbSNP rs577905956, ClinGen allele CA3351127.
Genomic context (GRCh38, chr5:96,742,690, plus strand): 5'-GCACAGGATTTTTTACTTTTAACAGGATACAATGAGTGATCAAGCACTCGAGGCTCTGTC[G>A]GCTTCACTGGGCACCCGGCAAGCAGAACCTGAGCTCGACCTCCGCTCAATTAAGGAAGTC-3'
Protein context (NP_001741.4, residues 368-388): TMSDQALEAL[Ser378=]ASLGTRQAEP

ClinVar aggregate classification (germline): Likely benign. Review status: criteria provided, single submitter (1 of 4 stars). 2 submissions from 2 submitters: Likely benign (1). 1 of the submissions does not count toward it. Last evaluated 2025-01-15.

Conditions:
CAST-related disorder. Also called: CAST-related condition.

Allele frequency attached by ClinVar (database versions not stated): ExAC 0.00002; 1000 Genomes Project 30x 0.00016; 1000 Genomes Project 0.00020.
gnomAD v4.1: 107 of 1,613,810 alleles (0.0066%); highest among the groups gnomAD compares: Admixed American, 0.012%; no homozygotes.

Submissions (2):

Labcorp Genetics (formerly Invitae), Labcorp
Classification: Likely benign. Last evaluated: 2025-01-15. Review status: criteria provided, single submitter. Criteria: Invitae Variant Classification Sherloc (09022015). Collection method: clinical testing. Allele origin: germline.

PreventionGenetics, part of Exact Sciences
Classification: Likely benign for CAST-related condition. Last evaluated: 2019-08-21. Review status: no assertion criteria provided. Collection method: clinical testing. Allele origin: germline. Not counted in ClinVar's aggregate classification.
Comment: This variant is classified as likely benign based on ACMG/AMP sequence variant interpretation guidelines (Richards et al. 2015 PMID: 25741868, with internal and published modifications).